The following is an entry in ClinVar:

ClinVar aggregate classification (germline): Uncertain significance. Review status: criteria provided, multiple submitters, no conflicts (2 of 4 stars). 2 submissions from 2 submitters: Uncertain significance (2). Last evaluated 2025-04-08.

Conditions:
Inborn genetic diseases. Identifiers: MedGen C0950123, MeSH D030342.

Allele frequency attached by ClinVar (database versions not stated): TOPMed 0.00004; gnomAD 0.00005; gnomAD exomes 0.00005; ESP Exome Variant Server 0.00008; ExAC 0.00010.
gnomAD v4.1: 78 of 1,592,520 alleles (0.0049%); highest among the groups gnomAD compares: Middle Eastern, 0.033%; no homozygotes.

Submissions (2):

Labcorp Genetics (formerly Invitae), Labcorp
Classification: Uncertain significance. Last evaluated: 2025-04-08. Review status: criteria provided, single submitter. Criteria: Invitae Variant Classification Sherloc (09022015). Collection method: clinical testing. Allele origin: germline.
Comment: This sequence change replaces alanine, which is neutral and non-polar, with valine, which is neutral and non-polar, at codon 1162 of the TBCD protein (p.Ala1162Val). This variant is present in population databases (rs372662619, gnomAD 0.009%). This variant has not been reported in the literature in individuals affected with TBCD-related conditions. ClinVar contains an entry for this variant (Variation ID: 1375339). Invitae Evidence Modeling of protein sequence and biophysical properties (such as structural, functional, and spatial information, amino acid conservation, physicochemical variation, residue mobility, and thermodynamic stability) indicates that this missense variant is not expected to disrupt TBCD protein function with a negative predictive value of 80%. In summary, the available evidence is currently insufficient to determine the role of this variant in disease. Therefore, it has been classified as a Variant of Uncertain Significance.

Ambry Genetics
Classification: Uncertain significance for Inborn genetic diseases. Last evaluated: 2024-10-06. Review status: criteria provided, single submitter. Criteria: Ambry Variant Classification Scheme 2023. Collection method: clinical testing. Allele origin: germline.

NM_005993.5(TBCD):c.3485C>T (p.Ala1162Val)

Gene: TBCD (tubulin folding cofactor D). Cytogenetic location: 17q25.3.
Variant type: single nucleotide variant.
Coding change: c.3485C>T on transcript NM_005993.5 (MANE Select); coding-DNA position 3485, C replaced by T.
Protein change: p.Ala1162Val; replaces alanine 1162 with valine.
Molecular consequence: missense variant.
Genome position (GRCh38, 1-based): chr17:82,941,404, C>T. VCF-style: chr17-82941404-C-T. GRCh37 (hg19) VCF-style: chr17-80899280-C-T.
Other names: c.3485C>T (NM_005993.4); short protein forms A1162V.
Identifiers: ClinVar variation 1375339 (VCV001375339.8), dbSNP rs372662619, ClinGen allele CA8863673.